The following is an entry in ClinVar:

ClinVar aggregate classification (germline): Uncertain significance (1 of 4 stars; one submission).

Submission:

Labcorp Genetics (formerly Invitae), Labcorp
Classification: Uncertain significance. Last evaluated: 2023-11-13. Review status: criteria provided, single submitter. Criteria: Invitae Variant Classification Sherloc (09022015). Collection method: clinical testing. Allele origin: germline.
Comment: This sequence change replaces tyrosine, which is neutral and polar, with cysteine, which is neutral and slightly polar, at codon 181 of the SAMD9L protein (p.Tyr181Cys). This variant is present in population databases (no rsID available, gnomAD 0.003%). This variant has not been reported in the literature in individuals affected with SAMD9L-related conditions. Algorithms developed to predict the effect of missense changes on protein structure and function output the following: SIFT: "Not Available"; PolyPhen-2: "Benign"; Align-GVGD: "Not Available". The cysteine amino acid residue is found in multiple mammalian species, which suggests that this missense change does not adversely affect protein function. In summary, the available evidence is currently insufficient to determine the role of this variant in disease. Therefore, it has been classified as a Variant of Uncertain Significance.

NM_152703.5(SAMD9L):c.542A>G (p.Tyr181Cys)

Gene: SAMD9L (sterile alpha motif domain containing 9 like; minus strand). Cytogenetic location: 7q21.2.
Variant type: single nucleotide variant.
Coding change: c.542A>G on transcript NM_152703.5 (MANE Select); coding-DNA position 542, A replaced by G.
Protein change: p.Tyr181Cys; replaces tyrosine 181 with cysteine.
Molecular consequence: missense variant.
Genome position (GRCh38, 1-based): chr7:93,135,430, T>C on the plus strand (A>G on the coding strand, the complement: SAMD9L is on the minus strand). VCF-style: chr7-93135430-T-C. GRCh37 (hg19) VCF-style: chr7-92764743-T-C.
Other names: c.542A>G, p.Tyr181Cys (NM_001303496.3, NM_001303497.3, NM_001303498.3 and 5 more transcripts); short protein forms Y181C.
Identifiers: ClinVar variation 2987619 (VCV002987619.3), dbSNP rs1401569430, ClinGen allele CA368202584.